The following is an entry in ClinVar:

NM_000548.5(TSC2):c.1486A>G (p.Ile496Val)

Gene: TSC2 (TSC complex subunit 2; plus strand). Cytogenetic location: 16p13.3.
Variant type: single nucleotide variant.
Coding change: c.1486A>G on transcript NM_000548.5 (MANE Select); coding-DNA position 1486, A replaced by G.
Protein change: p.Ile496Val; replaces isoleucine 496 with valine.
Molecular consequence: missense variant.
Genome position (GRCh38, 1-based): chr16:2,064,314, A>G. VCF-style: chr16-2064314-A-G. GRCh37 (hg19) VCF-style: chr16-2114315-A-G.
Other names: c.1486A>G, p.Ile496Val (NM_001077183.3, NM_001114382.3, NM_001363528.2 and 6 more transcripts); c.1375A>G, p.Ile459Val (NM_001318827.2, NM_001406678.1, NM_001406670.1); c.1339A>G, p.Ile447Val (NM_001318829.2, NM_001406676.1, NM_001406679.1 and 1 more transcripts); c.886A>G, p.Ile296Val (NM_001318831.2, NM_001406680.1, NM_001406682.1 and 6 more transcripts); c.1519A>G, p.Ile507Val (NM_001318832.2); c.1429A>G, p.Ile477Val (NM_001406677.1); c.1024A>G, p.Ile342Val (NM_001406681.1); c.142A>G, p.Ile48Val (NM_001406689.1, NM_001406690.1, NM_001406691.1 and 6 more transcripts); and 3 more; short protein forms I447V, I477V, I48V, I459V, I526V, I296V, I342V, I492V.
Identifiers: ClinVar variation 2131757 (VCV002131757.4), dbSNP rs1211121251, ClinGen allele CA394325904.

ClinVar aggregate classification (germline): Uncertain significance (1 of 4 stars; one submission).

Conditions:
Tuberous sclerosis 2 (TSC2). Identifiers: Orphanet 805, MedGen C1860707, MONDO:0013199, OMIM 613254.

Allele frequency attached by ClinVar (database versions not stated): gnomAD 0.00001.

Submission:

Labcorp Genetics (formerly Invitae), Labcorp
Classification: Uncertain significance for Tuberous sclerosis 2. Last evaluated: 2022-08-12. Review status: criteria provided, single submitter. Criteria: Invitae Variant Classification Sherloc (09022015). Collection method: clinical testing. Allele origin: germline.
Comment: In summary, the available evidence is currently insufficient to determine the role of this variant in disease. Therefore, it has been classified as a Variant of Uncertain Significance. Advanced modeling of protein sequence and biophysical properties (such as structural, functional, and spatial information, amino acid conservation, physicochemical variation, residue mobility, and thermodynamic stability) performed at Invitae indicates that this missense variant is not expected to disrupt TSC2 protein function. This variant has not been reported in the literature in individuals affected with TSC2-related conditions. This variant is not present in population databases (gnomAD no frequency). This sequence change replaces isoleucine, which is neutral and non-polar, with valine, which is neutral and non-polar, at codon 496 of the TSC2 protein (p.Ile496Val).